The following is an entry in ClinVar:

NM_001282225.2(ADA2):c.1078A>G (p.Thr360Ala)

Gene: ADA2 (adenosine deaminase 2; minus strand). Cytogenetic location: 22q11.1.
Variant type: single nucleotide variant.
Coding change: c.1078A>G on transcript NM_001282225.2 (MANE Select); coding-DNA position 1078, A replaced by G.
Protein change: p.Thr360Ala; replaces threonine 360 with alanine.
Molecular consequence: missense variant.
Genome position (GRCh38, 1-based): chr22:17,188,342, T>C on the plus strand (A>G on the coding strand, the complement: ADA2 is on the minus strand). VCF-style: chr22-17188342-T-C. GRCh37 (hg19) VCF-style: chr22-17669232-T-C.
Other names: c.1078A>G, p.Thr360Ala (NM_001282226.2); c.952A>G, p.Thr318Ala (NM_001282227.2, NM_001282228.2); c.718A>G, p.Thr240Ala (NM_001282229.2); c.355A>G, p.Thr119Ala (NM_177405.3); short protein forms T119A, T318A, T360A, T240A.
Identifiers: ClinVar variation 189342 (VCV000189342.19), dbSNP rs775440641, ClinGen allele CA199242.

ClinVar aggregate classification (germline): Pathogenic. Review status: criteria provided, multiple submitters, no conflicts (2 of 4 stars). 6 submissions from 6 submitters: Pathogenic (4). 2 of the submissions do not count toward it. Last evaluated 2026-01-12.

Conditions:
ADA2-related disorder. Also called: ADA2-related condition.
Sneddon syndrome (SNDNS). Also called: LIVEDO RETICULARIS AND CEREBROVASCULAR ACCIDENTS; Idiopathic livedo reticularis with systemic involvement. Identifiers: Orphanet 820, MedGen C0282492, MONDO:0008436, OMIM 182410.
Deficiency of adenosine deaminase 2. Also called: Adenosine Deaminase 2 Deficiency; VASCULITIS, AUTOINFLAMMATION, IMMUNODEFICIENCY, AND HEMATOLOGIC DEFECTS SYNDROME; Polyarteritis nodosa, childhoood-onset. Identifiers: Orphanet 404553, MedGen C3887654, MONDO:0014306, OMIM 615688, MONDO:0100317.

Allele frequency attached by ClinVar (database versions not stated): ExAC 0.00001; gnomAD exomes 0.00001.

Submissions (6):

Dasa
Classification: Pathogenic. Last evaluated: 2026-01-12. Review status: criteria provided, single submitter. Criteria: DASA Assertion Criteria. Collection method: clinical testing. Allele origin: germline.
Comment: NM_001282225.2(ADA2):c.1078A>G (p.Thr360Ala) is a missense variant that results in the substitution of threonine with alanine. This variant has been recurrently observed in individuals with related phenotype (PMID: 28522451; PMID: 33988272; PMID: 34210540; PMID: 12804991; PMID: 25075847). Multiple computational predictions support a deleterious effect on the gene or gene product. The variant is present at low frequency in population datasets. Based on the available data, this variant is classified as pathogenic.

Labcorp Genetics (formerly Invitae), Labcorp
Classification: Pathogenic for Deficiency of adenosine deaminase 2. Last evaluated: 2025-12-26. Review status: criteria provided, single submitter. Criteria: Invitae Variant Classification Sherloc (09022015). Collection method: clinical testing. Allele origin: germline.
Comment: This sequence change replaces threonine, which is neutral and polar, with alanine, which is neutral and non-polar, at codon 360 of the ADA2 protein (p.Thr360Ala). This variant is present in population databases (rs775440641, gnomAD 0.002%). This missense change has been observed in individual(s) with deficiency of adenosine deaminase 2 (PMID: 12804991, 25075847, 28522451, 30647181). In at least one individual the data is consistent with being in trans (on the opposite chromosome) from a pathogenic variant. It has also been observed to segregate with disease in related individuals. This variant is also known as c.355A>G, p.T119A. ClinVar contains an entry for this variant (Variation ID: 189342). Invitae Evidence Modeling of protein sequence and biophysical properties (such as structural, functional, and spatial information, amino acid conservation, physicochemical variation, residue mobility, and thermodynamic stability) indicates that this missense variant is expected to disrupt ADA2 protein function with a positive predictive value of 95%. For these reasons, this variant has been classified as Pathogenic.

Blueprint Genetics
Classification: Pathogenic for ADA2-related disorders. Last evaluated: 2023-03-27. Review status: criteria provided, single submitter. Criteria: ACMG Guidelines, 2015. Collection method: clinical testing. Allele origin: germline. Affected: yes. Observed: 5 variant alleles.

Centre of Medical Genetics, University Hospital Muenster
Classification: Pathogenic. Last evaluated: 2021-12-17. Review status: criteria provided, single submitter. Criteria: ACMG Guidelines, 2015. Collection method: clinical testing. Allele origin: unknown. Affected: yes. Observed: 1 variant allele, 1 heterozygote.
Comment: ACMG categories: PM1,PM2,PP1,PP3,PP5

OMIM
Classification: Pathogenic for SNEDDON SYNDROME. Last evaluated: 2014-07-31. Review status: no assertion criteria provided. Collection method: literature only. Allele origin: germline. Not counted in ClinVar's aggregate classification.

GeneReviews
No classification provided. Condition: Deficiency of adenosine deaminase 2. Review status: no classification provided. Collection method: literature only. Allele origin: germline. Not counted in ClinVar's aggregate classification.

Literature cited by the submitters: PubMed 28522451 (cited by 3 submitters); PubMed 33988272 (cited by Dasa); PubMed 34210540 (cited by Dasa); PubMed 12804991 (cited by 3 submitters); PubMed 25075847 (cited by 3 submitters); PubMed 30647181 (cited by Dasa and Labcorp Genetics (formerly Invitae), Labcorp); PubMed 31393689 (cited by GeneReviews).